The following is an entry in ClinVar:

NM_015488.5(PNKD):c.236+6T>C

Gene: PNKD (PNKD metallo-beta-lactamase domain containing; plus strand). Cytogenetic location: 2q35.
Variant type: single nucleotide variant.
Coding change: c.236+6T>C on transcript NM_015488.5 (MANE Select); 6 bases into the intron after coding-DNA position 236, T replaced by C.
Molecular consequence: intron variant.
Genome position (GRCh38, 1-based): chr2:218,271,555, T>C. VCF-style: chr2-218271555-T-C. GRCh37 (hg19) VCF-style: chr2-219136278-T-C.
Other names: c.236+6T>C (NM_001077399.3).
Identifiers: ClinVar variation 1494737 (VCV001494737.6), dbSNP rs1481240008, ClinGen allele CA539839282.

ClinVar aggregate classification (germline): Uncertain significance (1 of 4 stars; one submission).

Conditions:
Paroxysmal nonkinesigenic dyskinesia. Also called: Paroxysmal non-kinesigenic dyskinesia. Identifiers: Orphanet 98810, MedGen C1869117, MONDO:0700088.

Allele frequency attached by ClinVar (database versions not stated): gnomAD exomes below 0.00001.
gnomAD v4.1: 1 of 1,613,166 alleles (0.000062%); highest among the groups gnomAD compares: South Asian, 0.0011%; no homozygotes.

Submission:

Labcorp Genetics (formerly Invitae), Labcorp
Classification: Uncertain significance for Paroxysmal nonkinesigenic dyskinesia. Last evaluated: 2023-04-14. Review status: criteria provided, single submitter. Criteria: Invitae Variant Classification Sherloc (09022015). Collection method: clinical testing. Allele origin: germline.
Comment: This sequence change falls in intron 2 of the PNKD gene. It does not directly change the encoded amino acid sequence of the PNKD protein. It affects a nucleotide within the consensus splice site. This variant is present in population databases (no rsID available, gnomAD 0.003%). This variant has not been reported in the literature in individuals affected with PNKD-related conditions. ClinVar contains an entry for this variant (Variation ID: 1494737). Variants that disrupt the consensus splice site are a relatively common cause of aberrant splicing (PMID: 17576681, 9536098). Algorithms developed to predict the effect of sequence changes on RNA splicing suggest that this variant is not likely to affect RNA splicing. In summary, the available evidence is currently insufficient to determine the role of this variant in disease. Therefore, it has been classified as a Variant of Uncertain Significance.

Literature cited by the submitters: PubMed 17576681; PubMed 9536098.